The following is an entry in ClinVar:

ClinVar aggregate classification (germline): Uncertain significance. Review status: criteria provided, multiple submitters, no conflicts (2 of 4 stars). 2 submissions from 2 submitters: Uncertain significance (2). Last evaluated 2025-06-11.

Conditions:
Hereditary cancer-predisposing syndrome. Also called: Neoplastic Syndromes, Hereditary; Tumor predisposition; Hereditary neoplastic syndrome; Hereditary Cancer Syndrome. Identifiers: Orphanet 140162, MedGen C0027672, MeSH D009386, MONDO:0015356.
Multiple endocrine neoplasia, type 2 (MEN2). Identifiers: Orphanet 653, MedGen C4048306, MONDO:0019003. Disease mechanism: gain of function.

Submissions (2):

Ambry Genetics
Classification: Uncertain significance for Hereditary cancer-predisposing syndrome. Last evaluated: 2025-06-11. Review status: criteria provided, single submitter. Criteria: Ambry Variant Classification Scheme 2023. Collection method: clinical testing. Allele origin: germline.
Comment: The c.3188-3T>C intronic variant results from a T to C substitution 3 nucleotides upstream from coding exon 20 in the RET gene. This nucleotide position is highly conserved in available vertebrate species. In silico splice site analysis predicts that this alteration will not have any significant effect on splicing. Based on the available evidence, the clinical significance of this variant remains unclear.

Labcorp Genetics (formerly Invitae), Labcorp
Classification: Uncertain significance for Multiple endocrine neoplasia, type 2. Last evaluated: 2021-09-01. Review status: criteria provided, single submitter. Criteria: Invitae Variant Classification Sherloc (09022015). Collection method: clinical testing. Allele origin: germline.
Comment: In summary, the available evidence is currently insufficient to determine the role of this variant in disease. Therefore, it has been classified as a Variant of Uncertain Significance. Nucleotide substitutions within the consensus splice site are a relatively common cause of aberrant splicing (PMID: 17576681, 9536098). Algorithms developed to predict the effect of sequence changes on RNA splicing suggest that this variant is not likely to affect RNA splicing, but this prediction has not been confirmed by published transcriptional studies. This variant has not been reported in the literature in individuals with RET-related conditions. This variant is not present in population databases (ExAC no frequency). This sequence change falls in intron 19 of the RET gene. It does not directly change the encoded amino acid sequence of the RET protein. It affects a nucleotide within the consensus splice site of the intron.

Literature cited by the submitters: PubMed 17576681 (cited by Labcorp Genetics (formerly Invitae), Labcorp); PubMed 9536098 (cited by Labcorp Genetics (formerly Invitae), Labcorp).

NM_020975.6(RET):c.3188-3T>C

Gene: RET (ret proto-oncogene; plus strand). Cytogenetic location: 10q11.21.
Variant type: single nucleotide variant.
Coding change: c.3188-3T>C on transcript NM_020975.6 (MANE Select); 3 bases into the intron before coding-DNA position 3188, T replaced by C.
Molecular consequence: intron variant.
Genome position (GRCh38, 1-based): chr10:43,128,109, T>C. VCF-style: chr10-43128109-T-C. GRCh37 (hg19) VCF-style: chr10-43623557-T-C.
Other names: c.3188-3T>C (NM_020975.4).
Identifiers: ClinVar variation 1353284 (VCV001353284.7), dbSNP rs2133047522, ClinGen allele CA2573145096.